The following is an entry in ClinVar:

ClinVar aggregate classification (germline): Uncertain significance (1 of 4 stars; one submission).

Allele frequency attached by ClinVar (database versions not stated): gnomAD exomes below 0.00001.
gnomAD v4.1: 1 of 1,611,816 alleles (0.000062%); highest among the groups gnomAD compares: African/African-American, 0.0013%; no homozygotes.

Submission:

GeneDx
Classification: Uncertain significance. Last evaluated: 2022-07-14. Review status: criteria provided, single submitter. Criteria: GeneDx Variant Classification Process June 2021. Collection method: clinical testing. Allele origin: germline. Affected: yes.
Comment: Not observed at significant frequency in large population cohorts (gnomAD); In silico analysis supports that this missense variant has a deleterious effect on protein structure/function; Has not been previously published as pathogenic or benign to our knowledge

NM_014754.3(PTDSS1):c.772G>A (p.Gly258Arg)

Gene: PTDSS1 (phosphatidylserine synthase 1; plus strand). Cytogenetic location: 8q22.1.
Variant type: single nucleotide variant.
Coding change: c.772G>A on transcript NM_014754.3 (MANE Select); coding-DNA position 772, G replaced by A.
Protein change: p.Gly258Arg; replaces glycine 258 with arginine.
Molecular consequence: missense variant.
Genome position (GRCh38, 1-based): chr8:96,304,059, G>A. VCF-style: chr8-96304059-G-A. GRCh37 (hg19) VCF-style: chr8-97316287-G-A.
Other names: c.334G>A, p.Gly112Arg (NM_001290225.2); short protein forms G112R, G258R.
Identifiers: ClinVar variation 1878797 (VCV001878797.1), dbSNP rs2488153581, ClinGen allele CA371756795.